The following is an entry in ClinVar:

NM_080680.3(COL11A2):c.4122+4A>G

Gene: COL11A2 (collagen type XI alpha 2 chain; minus strand). Cytogenetic location: 6p21.32.
Variant type: single nucleotide variant.
Coding change: c.4122+4A>G on transcript NM_080680.3 (MANE Select); 4 bases into the intron after coding-DNA position 4122, A replaced by G.
Molecular consequence: intron variant.
Genome position (GRCh38, 1-based): chr6:33,167,422, T>C on the plus strand (A>G on the coding strand, the complement: COL11A2 is on the minus strand). VCF-style: chr6-33167422-T-C. GRCh37 (hg19) VCF-style: chr6-33135199-T-C.
Other names: c.3096+4A>G (NM_001424111.1, NM_001424110.1); c.3801+4A>G (NM_080679.3); c.3864+4A>G (NM_080681.3); c.3942+4A>G (NM_001424108.1); c.3276+4A>G (NM_001424109.1); c.2076+4A>G (NM_001424112.1).
Identifiers: ClinVar variation 3654698 (VCV003654698.2).

ClinVar aggregate classification (germline): Uncertain significance (1 of 4 stars; one submission).

Submission:

Labcorp Genetics (formerly Invitae), Labcorp
Classification: Uncertain significance. Last evaluated: 2024-12-16. Review status: criteria provided, single submitter. Criteria: Invitae Variant Classification Sherloc (09022015). Collection method: clinical testing. Allele origin: germline.
Comment: This sequence change falls in intron 56 of the COL11A2 gene. It does not directly change the encoded amino acid sequence of the COL11A2 protein. It affects a nucleotide within the consensus splice site. This variant is not present in population databases (gnomAD no frequency). This variant has not been reported in the literature in individuals affected with COL11A2-related conditions. Variants that disrupt the consensus splice site are a relatively common cause of aberrant splicing (PMID: 17576681, 9536098). Algorithms developed to predict the effect of sequence changes on RNA splicing suggest that this variant may disrupt the consensus splice site. In summary, the available evidence is currently insufficient to determine the role of this variant in disease. Therefore, it has been classified as a Variant of Uncertain Significance.

Literature cited by the submitters: PubMed 17576681; PubMed 9536098.